The following is an entry in ClinVar:

NM_007118.4(TRIO):c.5038G>A (p.Gly1680Ser)

Gene: TRIO (trio Rho guanine nucleotide exchange factor; plus strand). Cytogenetic location: 5p15.2.
Variant type: single nucleotide variant.
Coding change: c.5038G>A on transcript NM_007118.4 (MANE Select); coding-DNA position 5038, G replaced by A.
Protein change: p.Gly1680Ser; replaces glycine 1680 with serine.
Molecular consequence: missense variant. On other transcripts: non-coding transcript variant (1).
Genome position (GRCh38, 1-based): chr5:14,419,856, G>A. VCF-style: chr5-14419856-G-A. GRCh37 (hg19) VCF-style: chr5-14419965-G-A.
Other names: c.5038G>A (NM_007118.2); short protein forms G1680S.
Identifiers: ClinVar variation 3055779 (VCV003055779.4), dbSNP rs2533168730, ClinGen allele CA359206516.
Genomic context (GRCh38, chr5:14,419,856, plus strand): 5'-CTGACAGTGGTGATCCATGACTTCACCGCTTGCAACAGCAACGAGCTGACCATCCGACGG[G>A]GCCAGACCGTGGAAGTTCTGGAGCGGCCGCATGACAAGCCTGACTGGTGTCTGGTGCGGA-3'
Protein context (NP_009049.2, residues 1670-1690): CNSNELTIRR[Gly1680Ser]QTVEVLERPH

ClinVar aggregate classification (germline): Uncertain significance. Review status: criteria provided, multiple submitters, no conflicts (2 of 4 stars). 3 submissions from 3 submitters: Uncertain significance (2). 1 of the submissions does not count toward it. Last evaluated 2024-01-04.

Conditions:
TRIO-related disorder. Also called: TRIO-related disorders; TRIO-related condition.
Inborn genetic diseases. Identifiers: MedGen C0950123, MeSH D030342.

Submissions (3):

Ambry Genetics
Classification: Uncertain significance for Inborn genetic diseases. Last evaluated: 2024-01-04. Review status: criteria provided, single submitter. Criteria: Ambry Variant Classification Scheme 2023. Collection method: clinical testing. Allele origin: germline.
Comment: The c.5038G>A (p.G1680S) alteration is located in exon 34 (coding exon 34) of the TRIO gene. This alteration results from a G to A substitution at nucleotide position 5038, causing the glycine (G) at amino acid position 1680 to be replaced by a serine (S). This variant was not reported in population-based cohorts in the Genome Aggregation Database (gnomAD). This amino acid position is highly conserved in available vertebrate species. This alteration is predicted to be deleterious by in silico analysis. Based on insufficient or conflicting evidence, the clinical significance of this alteration remains unclear.

Blueprint Genetics
Classification: Uncertain significance. Last evaluated: 2022-08-05. Review status: criteria provided, single submitter. Criteria: ACMG Guidelines, 2015. Collection method: clinical testing. Allele origin: germline.

PreventionGenetics, part of Exact Sciences
Classification: Uncertain significance for TRIO-related condition. Last evaluated: 2024-02-08. Review status: no assertion criteria provided. Collection method: clinical testing. Allele origin: germline. Not counted in ClinVar's aggregate classification.
Comment: The TRIO c.5038G>A variant is predicted to result in the amino acid substitution p.Gly1680Ser. To our knowledge, this variant has not been reported in the literature or in a large population database, indicating this variant is rare. At this time, the clinical significance of this variant is uncertain due to the absence of conclusive functional and genetic evidence.